The following is an entry in ClinVar:

ClinVar aggregate classification (germline): Uncertain significance (1 of 4 stars; one submission).

Conditions:
Malignant hyperthermia, susceptibility to, 1 (MHS1). Also called: Anesthesia related hyperthermia; Malignant hyperpyrexia; Fulminating hyperpyrexia; Pharmacogenic myopathy; RYR1-Related Malignant Hyperthermia Susceptibility; Malignant hyperthermia suceptibility 1. Identifiers: Orphanet 423, MedGen C2930980, MONDO:0007783, OMIM 145600.

Submission:

All of Us Research Program, National Institutes of Health
Classification: Uncertain significance for Malignant hyperthermia, susceptibility to, 1. Last evaluated: 2024-02-22. Review status: criteria provided, single submitter. Criteria: ACMG Guidelines, 2015. Collection method: clinical testing. Allele origin: germline. Inheritance: Autosomal dominant inheritance. Observed: 1 variant allele, 1 heterozygote.
Comment: This missense variant replaces aspartic acid with asparagine at codon 985 of the RYR1 protein. Computational prediction is inconclusive regarding the impact of this variant on protein structure and function (internally defined REVEL score threshold 0.5 < inconclusive < 0.7, PMID: 27666373). To our knowledge, functional studies have not been reported for this variant. This variant has not been reported in individuals affected with RYR1-related disorders in the literature. This variant has not been identified in the general population by the Genome Aggregation Database (gnomAD). The available evidence is insufficient to determine the role of this variant in disease conclusively. Therefore, this variant is classified as a Variant of Uncertain Significance.

This study involves interpretation of variants in research participants for the purpose of population health screening. Participant phenotype was not available at the time of variant classification. Additional details can be found in publication PMID: 35346344, PMCID: PMC8962531

NM_000540.3(RYR1):c.2953G>A (p.Asp985Asn)

Gene: RYR1 (ryanodine receptor 1; plus strand). Cytogenetic location: 19q13.2.
Variant type: single nucleotide variant.
Coding change: c.2953G>A on transcript NM_000540.3 (MANE Select); coding-DNA position 2953, G replaced by A.
Protein change: p.Asp985Asn; replaces aspartic acid 985 with asparagine.
Molecular consequence: missense variant.
Genome position (GRCh38, 1-based): chr19:38,466,173, G>A. VCF-style: chr19-38466173-G-A. GRCh37 (hg19) VCF-style: chr19-38956813-G-A.
Other names: c.2953G>A, p.Asp985Asn (NM_001042723.2); short protein forms D985N.
Identifiers: ClinVar variation 3387677 (VCV003387677.1).